The following is an entry in ClinVar:

NM_014284.3(NCDN):c.1524G>A (p.Ser508=)

Gene: NCDN (neurochondrin; plus strand). Cytogenetic location: 1p34.3.
Variant type: single nucleotide variant.
Coding change: c.1524G>A on transcript NM_014284.3 (MANE Select); coding-DNA position 1524, G replaced by A.
Protein change: p.Ser508=; no amino-acid change (serine 508 retained).
Molecular consequence: synonymous variant.
Genome position (GRCh38, 1-based): chr1:35,563,340, G>A. VCF-style: chr1-35563340-G-A. GRCh37 (hg19) VCF-style: chr1-36028941-G-A.
Other names: c.1524G>A, p.Ser508= (NM_001014839.2); c.1473G>A, p.Ser491= (NM_001014841.2).
Identifiers: ClinVar variation 2638649 (VCV002638649.24), dbSNP rs1192807473, ClinGen allele CA417150058.

ClinVar aggregate classification (germline): Likely benign (1 of 4 stars; one submission).

Allele frequency attached by ClinVar (database versions not stated): gnomAD 0.00001; gnomAD exomes 0.00001.

Submission:

CeGaT Center for Human Genetics Tuebingen
Classification: Likely benign. Last evaluated: 2022-06-01. Review status: criteria provided, single submitter. Criteria: CeGaT Center For Human Genetics Tuebingen Variant Classification Criteria Version 2. Collection method: clinical testing. Allele origin: germline. Affected: yes. Observed: 1 variant allele.
Comment: NCDN: BP4, BP7